The following is an entry in ClinVar:

NM_018979.4(WNK1):c.4709T>G (p.Leu1570Trp)

Gene: WNK1 (WNK lysine deficient protein kinase 1; plus strand). Cytogenetic location: 12p13.33.
Variant type: single nucleotide variant.
Coding change: c.4709T>G on transcript NM_018979.4 (MANE Select); coding-DNA position 4709, T replaced by G.
Protein change: p.Leu1570Trp; replaces leucine 1570 with tryptophan.
Molecular consequence: missense variant.
Genome position (GRCh38, 1-based): chr12:885,513, T>G. VCF-style: chr12-885513-T-G. GRCh37 (hg19) VCF-style: chr12-994679-T-G.
Other names: c.5489T>G, p.Leu1830Trp (NM_001184985.2); c.3968T>G, p.Leu1323Trp (NM_014823.3); c.5465T>G, p.Leu1822Trp (NM_213655.5); short protein forms L1570W, L1830W, L1323W, L1822W.
Identifiers: ClinVar variation 2941254 (VCV002941254.3), dbSNP rs2549049145, ClinGen allele CA383331773.

ClinVar aggregate classification (germline): Uncertain significance (1 of 4 stars; one submission).

Conditions:
Neuropathy, hereditary sensory and autonomic, type 2A (HSAN2A). Also called: ACROOSTEOLYSIS, GIACCAI TYPE; ACROOSTEOLYSIS, NEUROGENIC; MORVAN DISEASE; NEUROPATHY, CONGENITAL SENSORY; NEUROPATHY, HEREDITARY SENSORY RADICULAR, AUTOSOMAL RECESSIVE; NEUROPATHY, HEREDITARY SENSORY, TYPE IIA. Identifiers: Orphanet 970, MedGen C2752089, MONDO:0024309, OMIM 201300.
Pseudohypoaldosteronism type 2C (PHA2C). Also called: Pseudohypoaldosteronism Type IIC. Identifiers: Orphanet 757, Orphanet 88940, MedGen C1840391, MONDO:0013778, OMIM 614492.

Submission:

Labcorp Genetics (formerly Invitae), Labcorp
Classification: Uncertain significance for Neuropathy, hereditary sensory and autonomic, type 2A; Pseudohypoaldosteronism type 2C. Last evaluated: 2022-11-03. Review status: criteria provided, single submitter. Criteria: Invitae Variant Classification Sherloc (09022015). Collection method: clinical testing. Allele origin: germline.
Comment: In summary, the available evidence is currently insufficient to determine the role of this variant in disease. Therefore, it has been classified as a Variant of Uncertain Significance. Advanced modeling of protein sequence and biophysical properties (such as structural, functional, and spatial information, amino acid conservation, physicochemical variation, residue mobility, and thermodynamic stability) performed at Invitae indicates that this missense variant is not expected to disrupt WNK1 protein function. This variant has not been reported in the literature in individuals affected with WNK1-related conditions. This variant is not present in population databases (gnomAD no frequency). This sequence change replaces leucine, which is neutral and non-polar, with tryptophan, which is neutral and slightly polar, at codon 1822 of the WNK1 protein (p.Leu1822Trp).